The following is an entry in ClinVar:

NM_138694.4(PKHD1):c.8206T>A (p.Trp2736Arg)

Gene: PKHD1 (PKHD1 ciliary IPT domain containing fibrocystin/polyductin; minus strand). Cytogenetic location: 6p12.2.
Variant type: single nucleotide variant.
Coding change: c.8206T>A on transcript NM_138694.4 (MANE Select); coding-DNA position 8206, T replaced by A.
Protein change: p.Trp2736Arg; replaces tryptophan 2736 with arginine.
Molecular consequence: missense variant.
Genome position (GRCh38, 1-based): chr6:51,830,957, A>T on the plus strand (T>A on the coding strand, the complement: PKHD1 is on the minus strand). VCF-style: chr6-51830957-A-T. GRCh37 (hg19) VCF-style: chr6-51695755-A-T.
Other names: c.8206T>A, p.Trp2736Arg (NM_170724.3); short protein forms W2736R.
Identifiers: ClinVar variation 1951173 (VCV001951173.2), dbSNP rs764880309, ClinGen allele CA364423839.
Genomic context (GRCh38, chr6:51,830,957, plus strand): 5'-TGGTATTGTTGTATCCTCCCCAGCCTTCTTCAACACCTTGCCATGTTTCAGGGAGGGACC[A>T]TTTTAAAGCTGATTCAGGGGCAGAGGTAGAAGCTAGAAAATAAAAAAAAATTTTGAAAAT-3'
Protein context (NP_619639.3, residues 2726-2746): STSAPESALK[Trp2736Arg]SLPETWQGVE

ClinVar aggregate classification (germline): Likely pathogenic (1 of 4 stars; one submission).

Conditions:
Autosomal recessive polycystic kidney disease (ARPKD). Also called: AR polycystic kidney disease. Identifiers: Orphanet 731, Orphanet 8378, MedGen C0085548, MeSH D017044, MONDO:0009889.

Submission:

Labcorp Genetics (formerly Invitae), Labcorp
Classification: Likely pathogenic for Autosomal recessive polycystic kidney disease. Last evaluated: 2022-09-13. Review status: criteria provided, single submitter. Criteria: Invitae Variant Classification Sherloc (09022015). Collection method: clinical testing. Allele origin: germline.
Comment: This sequence change replaces tryptophan, which is neutral and slightly polar, with arginine, which is basic and polar, at codon 2736 of the PKHD1 protein (p.Trp2736Arg). This variant is not present in population databases (gnomAD no frequency). This variant has not been reported in the literature in individuals affected with PKHD1-related conditions. Advanced modeling of protein sequence and biophysical properties (such as structural, functional, and spatial information, amino acid conservation, physicochemical variation, residue mobility, and thermodynamic stability) performed at Invitae indicates that this missense variant is expected to disrupt PKHD1 protein function. This variant disrupts the p.Trp2736 amino acid residue in PKHD1. Other variant(s) that disrupt this residue have been determined to be pathogenic (PMID: 15805161, 19940839, 24009235; Invitae). This suggests that this residue is clinically significant, and that variants that disrupt this residue are likely to be disease-causing. In summary, the currently available evidence indicates that the variant is pathogenic, but additional data are needed to prove that conclusively. Therefore, this variant has been classified as Likely Pathogenic.

Literature cited by the submitters: PubMed 15805161; PubMed 19940839; PubMed 24009235.